The following is an entry in ClinVar:

ClinVar aggregate classification (germline): Uncertain significance (1 of 4 stars; one submission).

Conditions:
Familial adenomatous polyposis 1 (FAP1). Also called: FAMILIAL ADENOMATOUS POLYPOSIS 1, ATTENUATED; POLYPOSIS, ADENOMATOUS INTESTINAL. Identifiers: MedGen C2713442, MONDO:0021056, OMIM 175100. Disease mechanism: loss of function.

Allele frequency attached by ClinVar (database versions not stated): gnomAD exomes below 0.00001.
gnomAD v4.1: 1 of 1,614,184 alleles (0.000062%); highest among the groups gnomAD compares: Non-Finnish European, 0.000085%; no homozygotes.

Submission:

Labcorp Genetics (formerly Invitae), Labcorp
Classification: Uncertain significance for Familial adenomatous polyposis 1. Last evaluated: 2023-05-24. Review status: criteria provided, single submitter. Criteria: Invitae Variant Classification Sherloc (09022015). Collection method: clinical testing. Allele origin: germline.
Comment: In summary, the available evidence is currently insufficient to determine the role of this variant in disease. Therefore, it has been classified as a Variant of Uncertain Significance. Advanced modeling of protein sequence and biophysical properties (such as structural, functional, and spatial information, amino acid conservation, physicochemical variation, residue mobility, and thermodynamic stability) performed at Invitae indicates that this missense variant is not expected to disrupt APC protein function. This variant has not been reported in the literature in individuals affected with APC-related conditions. This variant is not present in population databases (gnomAD no frequency). This sequence change replaces lysine, which is basic and polar, with glutamic acid, which is acidic and polar, at codon 1085 of the APC protein (p.Lys1085Glu).

NM_000038.6(APC):c.3253A>G (p.Lys1085Glu)

Gene: APC (APC regulator of Wnt signaling pathway; plus strand). Cytogenetic location: 5q22.2.
Variant type: single nucleotide variant.
Coding change: c.3253A>G on transcript NM_000038.6 (MANE Select); coding-DNA position 3253, A replaced by G.
Protein change: p.Lys1085Glu; replaces lysine 1085 with glutamic acid.
Molecular consequence: missense variant. On other transcripts: non-coding transcript variant (2).
Genome position (GRCh38, 1-based): chr5:112,838,847, A>G. VCF-style: chr5-112838847-A-G. GRCh37 (hg19) VCF-style: chr5-112174544-A-G.
Other names: c.3253A>G, p.Lys1085Glu (NM_001127510.3, NM_001354895.2, NM_001407450.1); c.3199A>G, p.Lys1067Glu (NM_001127511.3); c.3307A>G, p.Lys1103Glu (NM_001354896.2, NM_001407447.1, NM_001407448.1 and 1 more transcripts); c.3283A>G, p.Lys1095Glu (NM_001354897.2); c.3178A>G, p.Lys1060Glu (NM_001354898.2); c.3169A>G, p.Lys1057Glu (NM_001354899.2); c.3130A>G, p.Lys1044Glu (NM_001354900.2); c.3076A>G, p.Lys1026Glu (NM_001354901.2, NM_001407453.1); and 11 more; short protein forms K1057E, K1060E, K1067E, K1078E, K701E, K1026E, K925E, K994E.
Identifiers: ClinVar variation 2708660 (VCV002708660.3), dbSNP rs2149888006, ClinGen allele CA16028469.